The following is an entry in ClinVar:

NM_004370.6(COL12A1):c.7645A>G (p.Ser2549Gly)

Gene: COL12A1 (collagen type XII alpha 1 chain; minus strand). Cytogenetic location: 6q13.
Variant type: single nucleotide variant.
Coding change: c.7645A>G on transcript NM_004370.6 (MANE Select); coding-DNA position 7645, A replaced by G.
Protein change: p.Ser2549Gly; replaces serine 2549 with glycine.
Molecular consequence: missense variant.
Genome position (GRCh38, 1-based): chr6:75,115,836, T>C on the plus strand (A>G on the coding strand, the complement: COL12A1 is on the minus strand). VCF-style: chr6-75115836-T-C. GRCh37 (hg19) VCF-style: chr6-75825552-T-C.
Other names: c.4153A>G, p.Ser1385Gly (NM_080645.3, NM_001424116.1); c.7645A>G, p.Ser2549Gly (NM_001424113.1); c.7624A>G, p.Ser2542Gly (NM_001424114.1); c.7372A>G, p.Ser2458Gly (NM_001424115.1); short protein forms S2542G, S2549G, S1385G, S2458G.
Identifiers: ClinVar variation 4231737 (VCV004231737.2).

ClinVar aggregate classification (germline): Uncertain significance. Review status: criteria provided, multiple submitters, no conflicts (2 of 4 stars). 2 submissions from 2 submitters: Uncertain significance (2). Last evaluated 2025-07-13.

Conditions:
Ullrich congenital muscular dystrophy 2 (UCMD2). Identifiers: Orphanet 75840, MedGen C4225314, MONDO:0014654, OMIM 616470.
Bethlem myopathy 2 (BTHLM2). Identifiers: Orphanet 536516, Orphanet 610, MedGen C4225313, MONDO:0034022, OMIM 616471.
Inborn genetic diseases. Identifiers: MedGen C0950123, MeSH D030342.

gnomAD v4.1: 6 of 1,613,632 alleles (0.00037%); highest among the groups gnomAD compares: Non-Finnish European, 0.00051%; no homozygotes.

Submissions (2):

Ambry Genetics
Classification: Uncertain significance for Inborn genetic diseases. Last evaluated: 2025-07-13. Review status: criteria provided, single submitter. Criteria: Ambry Variant Classification Scheme 2023. Collection method: clinical testing. Allele origin: germline.

Labcorp Genetics (formerly Invitae), Labcorp
Classification: Uncertain significance for Bethlem myopathy 2; Ullrich congenital muscular dystrophy 2. Last evaluated: 2025-03-05. Review status: criteria provided, single submitter. Criteria: Invitae Variant Classification Sherloc (09022015). Collection method: clinical testing. Allele origin: germline.
Comment: This sequence change replaces serine, which is neutral and polar, with glycine, which is neutral and non-polar, at codon 2549 of the COL12A1 protein (p.Ser2549Gly). This variant is present in population databases (rs760043105, gnomAD 0.0009%). This variant has not been reported in the literature in individuals affected with COL12A1-related conditions. Invitae Evidence Modeling of protein sequence and biophysical properties (such as structural, functional, and spatial information, amino acid conservation, physicochemical variation, residue mobility, and thermodynamic stability) has been performed for this missense variant. However, the output from this modeling did not meet the statistical confidence thresholds required to predict the impact of this variant on COL12A1 protein function. In summary, the available evidence is currently insufficient to determine the role of this variant in disease. Therefore, it has been classified as a Variant of Uncertain Significance.